The following is an entry in ClinVar:

ClinVar aggregate classification (germline): Uncertain significance. Review status: criteria provided, multiple submitters, no conflicts (2 of 4 stars). 2 submissions from 2 submitters: Uncertain significance (2). Last evaluated 2025-12-05.

gnomAD v4.1: 2 of 1,614,228 alleles (0.00012%); highest among the groups gnomAD compares: Non-Finnish European, 0.00017%; no homozygotes.

Submissions (2):

GeneDx
Classification: Uncertain significance. Last evaluated: 2025-12-05. Review status: criteria provided, single submitter. Criteria: GeneDx Variant Classification Process June 2021. Collection method: clinical testing. Allele origin: germline.
Comment: Identified with a second variant in a patient with cleft palate, atrial septal defect, dilated aortic root, hypotonia, and profound T-cell deficiency in published literature (PMID: 39215781); Not observed at significant frequency in large population cohorts (gnomAD); In silico analysis supports that this missense variant has a deleterious effect on protein structure/function; This variant is associated with the following publications: (PMID: Alqahtani2024[Posterabstract], 39215781)

Labcorp Genetics (formerly Invitae), Labcorp
Classification: Uncertain significance. Last evaluated: 2022-09-13. Review status: criteria provided, single submitter. Criteria: Invitae Variant Classification Sherloc (09022015). Collection method: clinical testing. Allele origin: germline.
Comment: In summary, the available evidence is currently insufficient to determine the role of this variant in disease. Therefore, it has been classified as a Variant of Uncertain Significance. Advanced modeling of protein sequence and biophysical properties (such as structural, functional, and spatial information, amino acid conservation, physicochemical variation, residue mobility, and thermodynamic stability) performed at Invitae indicates that this missense variant is not expected to disrupt EXTL3 protein function. This variant has not been reported in the literature in individuals affected with EXTL3-related conditions. This variant is not present in population databases (gnomAD no frequency). This sequence change replaces arginine, which is basic and polar, with glycine, which is neutral and non-polar, at codon 513 of the EXTL3 protein (p.Arg513Gly).

NM_001440.4(EXTL3):c.1537C>G (p.Arg513Gly)

Gene: EXTL3 (exostosin like glycosyltransferase 3; plus strand). Cytogenetic location: 8p21.1.
Variant type: single nucleotide variant.
Coding change: c.1537C>G on transcript NM_001440.4 (MANE Select); coding-DNA position 1537, C replaced by G.
Protein change: p.Arg513Gly; replaces arginine 513 with glycine.
Molecular consequence: missense variant.
Genome position (GRCh38, 1-based): chr8:28,717,596, C>G. VCF-style: chr8-28717596-C-G. GRCh37 (hg19) VCF-style: chr8-28575113-C-G.
Other names: c.1537C>G (NM_001440.3); short protein forms R513G.
Identifiers: ClinVar variation 1716021 (VCV001716021.7), dbSNP rs1332006145, ClinGen allele CA370859941.